The following is an entry in ClinVar:

NM_003200.5(TCF3):c.1496G>A (p.Arg499Gln)

Gene: TCF3 (transcription factor 3; minus strand). Cytogenetic location: 19p13.3.
Variant type: single nucleotide variant.
Coding change: c.1496G>A on transcript NM_003200.5 (MANE Select); coding-DNA position 1496, G replaced by A.
Protein change: p.Arg499Gln; replaces arginine 499 with glutamine.
Molecular consequence: missense variant.
Genome position (GRCh38, 1-based): chr19:1,615,776, C>T on the plus strand (G>A on the coding strand, the complement: TCF3 is on the minus strand). VCF-style: chr19-1615776-C-T. GRCh37 (hg19) VCF-style: chr19-1615775-C-T.
Other names: c.1496G>A, p.Arg499Gln (NM_001136139.4, NM_001351779.2); c.1496G>A (NM_003200.3); c.1493G>A, p.Arg498Gln (NM_001351778.2); short protein forms R499Q, R498Q.
Identifiers: ClinVar variation 1401732 (VCV001401732.8), dbSNP rs149277795, ClinGen allele CA9049795.

ClinVar aggregate classification (germline): Uncertain significance. Review status: criteria provided, multiple submitters, no conflicts (2 of 4 stars). 4 submissions from 4 submitters: Uncertain significance (4). Last evaluated 2025-07-24.

Conditions:
TCF3-related disorder. Also called: TCF3-related condition.
Agammaglobulinemia 8b, autosomal recessive. Also called: AGAMMAGLOBULINEMIA, AUTOSOMAL RECESSIVE, DUE TO TCF3 DEFECT. Identifiers: MedGen C5676958, MONDO:0859234, OMIM 619824.
Agammaglobulinemia 8, autosomal dominant (AGM8A). Also called: AGAMMAGLOBULINEMIA, AUTOSOMAL DOMINANT, DUE TO TCF3 DEFECT; AGAMMAGLOBULINEMIA 8A, AUTOSOMAL DOMINANT. Identifiers: MedGen C4310786, MONDO:0014840, OMIM 616941.

Allele frequency attached by ClinVar (database versions not stated): 1000 Genomes Project 30x 0.00031; 1000 Genomes Project 0.00040.
gnomAD v4.1: 244 of 1,590,218 alleles (0.015%); highest among the groups gnomAD compares: Non-Finnish European, 0.016%; 1 homozygote.

Submissions (4):

Clinical Genomics Laboratory, Washington University in St. Louis
Classification: Uncertain significance for Agammaglobulinemia 8, autosomal dominant; Agammaglobulinemia 8b, autosomal recessive. Last evaluated: 2025-07-24. Review status: criteria provided, single submitter. Criteria: ACMG Guidelines, 2015. Collection method: clinical testing. Allele origin: germline.
Comment: The TCF3 c.1496G>A (p.Arg499Gln) variant, to our knowledge, has not been reported in the medical literature but the variant has been reported in the ClinVar database as a germline variant of uncertain significance by one submitter. This variant is only observed on 36/267,144 alleles in the general population (gnomAD v.2.1.1), indicating it is not a common variant. Computational predictors suggest that the variant does not impact TCF3 function. Due to limited information, and based on ACMG/AMP guidelines for variant interpretation (Richards S et al., PMID: 25741868), the clinical significance of this variant is uncertain at this time.

Labcorp Genetics (formerly Invitae), Labcorp
Classification: Uncertain significance. Last evaluated: 2025-01-29. Review status: criteria provided, single submitter. Criteria: Invitae Variant Classification Sherloc (09022015). Collection method: clinical testing. Allele origin: germline.
Comment: This sequence change replaces arginine, which is basic and polar, with glutamine, which is neutral and polar, at codon 499 of the TCF3 protein (p.Arg499Gln). This variant is present in population databases (rs149277795, gnomAD 0.05%). This variant has not been reported in the literature in individuals affected with TCF3-related conditions. ClinVar contains an entry for this variant (Variation ID: 1401732). Invitae Evidence Modeling of protein sequence and biophysical properties (such as structural, functional, and spatial information, amino acid conservation, physicochemical variation, residue mobility, and thermodynamic stability) indicates that this missense variant is not expected to disrupt TCF3 protein function with a negative predictive value of 80%. In summary, the available evidence is currently insufficient to determine the role of this variant in disease. Therefore, it has been classified as a Variant of Uncertain Significance.

PreventionGenetics, part of Exact Sciences
Classification: Uncertain significance for TCF3-related condition. Last evaluated: 2025-01-22. Review status: criteria provided, single submitter. Criteria: ACMG Guidelines, 2015. Collection method: clinical testing. Allele origin: germline.
Comment: The TCF3 c.1496G>A variant is predicted to result in the amino acid substitution p.Arg499Gln. To our knowledge, this variant has not been reported in the literature. This variant is reported in 0.047% of alleles in individuals of Ashkenazi Jewish descent in gnomAD. At this time, the clinical significance of this variant is uncertain due to the absence of conclusive functional and genetic evidence.

Blueprint Genetics
Classification: Uncertain significance. Last evaluated: 2024-08-31. Review status: criteria provided, single submitter. Criteria: ACMG Guidelines, 2015. Collection method: clinical testing. Allele origin: germline.